The following is an entry in ClinVar:

NM_152564.5(VPS13B):c.9968A>G (p.Tyr3323Cys)

Gene: VPS13B (vacuolar protein sorting 13 homolog B; plus strand). Cytogenetic location: 8q22.2.
Variant type: single nucleotide variant.
Coding change: c.9968A>G on transcript NM_152564.5 (MANE Select); coding-DNA position 9968, A replaced by G.
Protein change: p.Tyr3323Cys; replaces tyrosine 3323 with cysteine.
Molecular consequence: missense variant.
Genome position (GRCh38, 1-based): chr8:99,848,801, A>G. VCF-style: chr8-99848801-A-G. GRCh37 (hg19) VCF-style: chr8-100861029-A-G.
Other names: c.9968A>G (NM_152564.4); c.10043A>G, p.Tyr3348Cys (NM_017890.5); short protein forms Y3323C, Y3348C.
Identifiers: ClinVar variation 1002454 (VCV001002454.11), dbSNP rs376549169, ClinGen allele CA4824845.
Genomic context (GRCh38, chr8:99,848,801, plus strand): 5'-TCTTTTTAATCAGATTTTGAATATTCTTTCTGCAGGTTGTGTTCCTGACTGGCTTTGGCT[A>G]TGTGTATGTGGATGTTGTACATCAGTGTGGCACAGTCTTCATCACTGTGGCCCCAGAAGG-3'
Protein context (NP_689777.3, residues 3313-3333): TQVVFLTGFG[Tyr3323Cys]VYVDVVHQCG

ClinVar aggregate classification (germline): Uncertain significance. Review status: criteria provided, multiple submitters, no conflicts (2 of 4 stars). 3 submissions from 3 submitters: Uncertain significance (2). 1 of the submissions does not count toward it. Last evaluated 2026-04-23.

Conditions:
VPS13B-related disorder. Also called: VPS13B-related condition.
Cohen syndrome (COH1). Also called: Cutis verticis gyrata, retinitis pigmentosa, and sensorineural deafness; PEPPER SYNDROME. Identifiers: Orphanet 193, MedGen C0265223, MONDO:0008999, OMIM 216550.

Allele frequency attached by ClinVar (database versions not stated): gnomAD exomes below 0.00001; ExAC 0.00001; gnomAD 0.00001; TOPMed 0.00001; ESP Exome Variant Server 0.00008.
gnomAD v4.1: 6 of 1,613,960 alleles (0.00037%); highest among the groups gnomAD compares: Admixed American, 0.0017%; no homozygotes.

Submissions (3):

PreventionGenetics, part of Exact Sciences
Classification: Uncertain significance for VPS13B-related condition. Last evaluated: 2026-04-23. Review status: criteria provided, single submitter. Criteria: ACMG Guidelines, 2015. Collection method: clinical testing. Allele origin: germline.
Comment: The VPS13B c.9968A>G variant is predicted to result in the amino acid substitution p.Tyr3323Cys. To our knowledge, this variant has not been reported in the literature or in a large population database (gnomAD), indicating this variant is rare. At this time, the clinical significance of this variant is uncertain due to the absence of conclusive functional and genetic evidence.

Labcorp Genetics (formerly Invitae), Labcorp
Classification: Uncertain significance for Cohen syndrome. Last evaluated: 2021-08-12. Review status: criteria provided, single submitter. Criteria: Invitae Variant Classification Sherloc (09022015). Collection method: clinical testing. Allele origin: germline.
Comment: In summary, the available evidence is currently insufficient to determine the role of this variant in disease. Therefore, it has been classified as a Variant of Uncertain Significance. Algorithms developed to predict the effect of sequence changes on RNA splicing suggest that this variant may create or strengthen a splice site, but this prediction has not been confirmed by published transcriptional studies. Algorithms developed to predict the effect of missense changes on protein structure and function output the following: SIFT: "Not Available"; PolyPhen-2: "Possibly Damaging"; Align-GVGD: "Not Available". The cysteine amino acid residue is found in multiple mammalian species, suggesting that this missense change does not adversely affect protein function. These predictions have not been confirmed by published functional studies and their clinical significance is uncertain. This variant has not been reported in the literature in individuals with VPS13B-related conditions. This variant is present in population databases (rs376549169, ExAC 0.001%). This sequence change replaces tyrosine with cysteine at codon 3348 of the VPS13B protein (p.Tyr3348Cys). The tyrosine residue is moderately conserved and there is a large physicochemical difference between tyrosine and cysteine.

Natera, Inc.
Classification: Uncertain significance for Cohen syndrome. Last evaluated: 2020-03-11. Review status: no assertion criteria provided. Collection method: clinical testing. Allele origin: germline. Not counted in ClinVar's aggregate classification.